The following is an entry in ClinVar:

NR_003051.4(RMRP):n.233G>T

Gene: RMRP (RNA component of mitochondrial RNA processing endoribonuclease; minus strand). Cytogenetic location: 9p13.3.
Variant type: single nucleotide variant.
Molecular consequence: non-coding transcript variant (on NR_003051.4).
Genome position: GRCh38 VCF-style: chr9-35657787-C-A. GRCh37 (hg19) VCF-style: chr9-35657784-C-A.
Identifiers: ClinVar variation 2752916 (VCV002752916.3), dbSNP rs774897161, ClinGen allele CA192745555.

ClinVar aggregate classification (germline): Uncertain significance (1 of 4 stars; one submission).

Conditions:
Anauxetic dysplasia. Identifiers: Orphanet 93347, MedGen C1846796, MONDO:0011773.

gnomAD v4.1: 1 of 697,676 alleles (0.00014%); highest among the groups gnomAD compares: Non-Finnish European, 0.00026%; no homozygotes.

Submission:

Labcorp Genetics (formerly Invitae), Labcorp
Classification: Uncertain significance for Anauxetic dysplasia. Last evaluated: 2024-03-30. Review status: criteria provided, single submitter. Criteria: Invitae Variant Classification Sherloc (09022015). Collection method: clinical testing. Allele origin: germline.
Comment: This variant occurs in the RMRP gene, which encodes an RNA molecule that does not result in a protein product. This variant is not present in population databases (gnomAD no frequency). This variant has not been reported in the literature in individuals affected with RMRP-related conditions. Experimental studies and prediction algorithms are not available or were not evaluated, and the functional significance of this variant is currently unknown. In summary, the available evidence is currently insufficient to determine the role of this variant in disease. Therefore, it has been classified as a Variant of Uncertain Significance.